The following is an entry in ClinVar:

ClinVar aggregate classification (germline): Uncertain significance (1 of 4 stars; one submission).

Allele frequency attached by ClinVar (database versions not stated): TOPMed below 0.00001; gnomAD 0.00001; gnomAD exomes 0.00002; ExAC 0.00005; 1000 Genomes Project 30x 0.00016; 1000 Genomes Project 0.00020.
gnomAD v4.1: 28 of 1,611,034 alleles (0.0017%); highest among the groups gnomAD compares: South Asian, 0.03%; 1 homozygote.

Submission:

Labcorp Genetics (formerly Invitae), Labcorp
Classification: Uncertain significance. Last evaluated: 2023-11-11. Review status: criteria provided, single submitter. Criteria: Invitae Variant Classification Sherloc (09022015). Collection method: clinical testing. Allele origin: germline.
Comment: This sequence change replaces isoleucine, which is neutral and non-polar, with threonine, which is neutral and polar, at codon 1284 of the HMCN1 protein (p.Ile1284Thr). This variant is present in population databases (rs561700157, gnomAD 0.04%). This variant has not been reported in the literature in individuals affected with HMCN1-related conditions. An algorithm developed to predict the effect of missense changes on protein structure and function (PolyPhen-2) suggests that this variant is likely to be disruptive. In summary, the available evidence is currently insufficient to determine the role of this variant in disease. Therefore, it has been classified as a Variant of Uncertain Significance.

NM_031935.3(HMCN1):c.3851T>C (p.Ile1284Thr)

Gene: HMCN1 (hemicentin 1; plus strand). Cytogenetic location: 1q31.1.
Variant type: single nucleotide variant.
Coding change: c.3851T>C on transcript NM_031935.3 (MANE Select); coding-DNA position 3851, T replaced by C.
Protein change: p.Ile1284Thr; replaces isoleucine 1284 with threonine.
Molecular consequence: missense variant.
Genome position (GRCh38, 1-based): chr1:185,997,501, T>C. VCF-style: chr1-185997501-T-C. GRCh37 (hg19) VCF-style: chr1-185966633-T-C.
Other names: short protein forms I1284T.
Identifiers: ClinVar variation 2970363 (VCV002970363.3), dbSNP rs561700157, ClinGen allele CA1291830.